The following is an entry in ClinVar:

ClinVar aggregate classification (germline): Likely pathogenic (1 of 4 stars; one submission).

Submission:

Labcorp Genetics (formerly Invitae), Labcorp
Classification: Likely pathogenic. Last evaluated: 2021-06-13. Review status: criteria provided, single submitter. Criteria: Invitae Variant Classification Sherloc (09022015). Collection method: clinical testing. Allele origin: germline.
Comment: Algorithms developed to predict the effect of missense changes on protein structure and function (SIFT, PolyPhen-2, Align-GVGD) all suggest that this variant is likely to be disruptive, but these predictions have not been confirmed by published functional studies and their clinical significance is uncertain. Algorithms developed to predict the effect of sequence changes on RNA splicing suggest that this variant may disrupt the consensus splice site, but this prediction has not been confirmed by published transcriptional studies. In summary, the currently available evidence indicates that the variant is pathogenic, but additional data are needed to prove that conclusively. Therefore, this variant has been classified as Likely Pathogenic. This variant has been observed in individual(s) with early infantile or childhood epileptic encephalopathy (Invitae). In at least one individual the variant was observed to be de novo. This sequence change replaces arginine with glycine at codon 414 of the PPP3CA protein (p.Arg414Gly). The arginine residue is highly conserved and there is a moderate physicochemical difference between arginine and glycine. This variant is not present in population databases (ExAC no frequency).

NM_000944.5(PPP3CA):c.1240A>G (p.Arg414Gly)

Gene: PPP3CA (protein phosphatase 3 catalytic subunit alpha; minus strand). Cytogenetic location: 4q24.
Variant type: single nucleotide variant.
Coding change: c.1240A>G on transcript NM_000944.5 (MANE Select); coding-DNA position 1240, A replaced by G.
Protein change: p.Arg414Gly; replaces arginine 414 with glycine.
Molecular consequence: missense variant.
Genome position (GRCh38, 1-based): chr4:101,040,483, T>C on the plus strand (A>G on the coding strand, the complement: PPP3CA is on the minus strand). VCF-style: chr4-101040483-T-C. GRCh37 (hg19) VCF-style: chr4-101961640-T-C.
Other names: c.1240A>G, p.Arg414Gly (NM_001130691.2); c.1114A>G, p.Arg372Gly (NM_001130692.2); short protein forms R414G, R372G.
Identifiers: ClinVar variation 1525729 (VCV001525729.6), dbSNP rs2110210889, ClinGen allele CA357948181.